The following is an entry in ClinVar:

ClinVar aggregate classification (germline): Uncertain significance (1 of 4 stars; one submission).

Conditions:
Malignant hyperthermia, susceptibility to, 5 (MHS5). Also called: CACNA1S-Related Malignant Hyperthermia Susceptibility. Identifiers: Orphanet 423, MedGen C1866077, MONDO:0011163, OMIM 601887.

Allele frequency attached by ClinVar (database versions not stated): gnomAD exomes below 0.00001; gnomAD 0.00001.
gnomAD v4.1: 2 of 1,614,100 alleles (0.00012%); highest among the groups gnomAD compares: South Asian, 0.0022%; no homozygotes.

Submission:

All of Us Research Program, National Institutes of Health
Classification: Uncertain significance for Malignant hyperthermia, susceptibility to, 5. Last evaluated: 2024-01-11. Review status: criteria provided, single submitter. Criteria: ACMG Guidelines, 2015. Collection method: clinical testing. Allele origin: germline. Inheritance: Autosomal dominant inheritance. Observed: 1 variant allele, 1 heterozygote.
Comment: This study involves interpretation of variants in research participants for the purpose of population health screening. Participant phenotype was not available at the time of variant classification. Additional details can be found in publication PMID: 35346344, PMCID: PMC8962531

NM_000069.3(CACNA1S):c.1343C>G (p.Ser448Cys)

Gene: CACNA1S (calcium voltage-gated channel subunit alpha1 S; minus strand). Cytogenetic location: 1q32.1.
Variant type: single nucleotide variant.
Coding change: c.1343C>G on transcript NM_000069.3 (MANE Select); coding-DNA position 1343, C replaced by G.
Protein change: p.Ser448Cys; replaces serine 448 with cysteine.
Molecular consequence: missense variant.
Genome position (GRCh38, 1-based): chr1:201,083,212, G>C on the plus strand (C>G on the coding strand, the complement: CACNA1S is on the minus strand). VCF-style: chr1-201083212-G-C. GRCh37 (hg19) VCF-style: chr1-201052340-G-C.
Other names: short protein forms S448C.
Identifiers: ClinVar variation 3075330 (VCV003075330.1), dbSNP rs1661902640, ClinGen allele CA344125411.
Genomic context (GRCh38, chr1:201,083,212, plus strand): 5'-TCCGCCTCACCTTGCAAACGGGTCAGCCAGAGAGGCTGGTTGTGGTGCTCTGAGGCGATA[G>C]ACAGGGTGTTGAGGGCAACGATGAGAATCACCAGCCAATAGAAGACCTTGGACTTCACGA-3'
Protein context (NP_000060.2, residues 438-458): VILIVALNTL[Ser448Cys]IASEHHNQPL